The following is an entry in ClinVar:

ClinVar aggregate classification (germline): Likely pathogenic (1 of 4 stars; one submission).

Conditions:
SMARCA2-related disorder. Also called: SMARCA2-related condition.

Submission:

PreventionGenetics, part of Exact Sciences
Classification: Likely pathogenic for SMARCA2-related condition. Last evaluated: 2024-12-31. Review status: criteria provided, single submitter. Criteria: ACMG Guidelines, 2015. Collection method: clinical testing. Allele origin: germline.
Comment: The SMARCA2 c.3470A>C variant is predicted to result in the amino acid substitution p.Gln1157Pro. To our knowledge, this variant has not been reported in the literature or in a large population database (gnomAD), indicating this variant is rare. The p.Gln1157Pro variant occurs in the helicase C-terminal domain of the SMARCA2 protein. Variants in this region have been reported in association with Nicolaides-Baraitser syndrome (Cappuccio et al. 2020. PubMed ID: 32694869). This variant is interpreted as likely pathogenic.

NM_003070.5(SMARCA2):c.3470A>C (p.Gln1157Pro)

Gene: SMARCA2 (SWI/SNF related BAF chromatin remodeling complex subunit ATPase 2; plus strand). Cytogenetic location: 9p24.3.
Variant type: single nucleotide variant.
Coding change: c.3470A>C on transcript NM_003070.5 (MANE Select); coding-DNA position 3470, A replaced by C.
Protein change: p.Gln1157Pro; replaces glutamine 1157 with proline.
Molecular consequence: missense variant.
Genome position (GRCh38, 1-based): chr9:2,115,835, A>C. VCF-style: chr9-2115835-A-C. GRCh37 (hg19) VCF-style: chr9-2115835-A-C.
Other names: c.3470A>C, p.Gln1157Pro (NM_001289396.2, NM_139045.4); c.3296A>C, p.Gln1099Pro (NM_001289397.2); short protein forms Q1157P, Q1099P.
Identifiers: ClinVar variation 5000600 (VCV005000600.1).